The following is an entry in ClinVar:

ClinVar aggregate classification (germline): Uncertain significance. Review status: criteria provided, multiple submitters, no conflicts (2 of 4 stars). 3 submissions from 3 submitters: Uncertain significance (3). Last evaluated 2025-07-21.

Conditions:
Hereditary spastic paraplegia 73. Also called: Spastic paraplegia 73, autosomal dominant. Identifiers: Orphanet 444099, MedGen C5568981, MONDO:0014568, OMIM 616282.

gnomAD v4.1: 1 of 1,613,740 alleles (0.000062%); highest among the groups gnomAD compares: Non-Finnish European, 0.000085%; no homozygotes.

Submissions (3):

Women's Health and Genetics/Laboratory Corporation of America, LabCorp
Classification: Uncertain significance. Last evaluated: 2025-07-21. Review status: criteria provided, single submitter. Criteria: LabCorp Variant Classification Summary - May 2015. Collection method: clinical testing. Allele origin: germline.
Comment: Variant summary: CPT1C c.946C>T (p.Leu316Phe) results in a non-conservative amino acid change in the encoded protein sequence. Algorithms developed to predict the effect of missense changes on protein structure and function are either unavailable or do not agree on the potential impact of this missense change. The variant was absent in 250392 control chromosomes. The available data on variant occurrences in the general population are insufficient to allow any conclusion about variant significance. To our knowledge, no occurrence of c.946C>T in individuals affected with Hereditary Spastic Paraplegia 73 and no experimental evidence demonstrating its impact on protein function have been reported. ClinVar contains an entry for this variant (Variation ID: 2046830). Based on the evidence outlined above, the variant was classified as uncertain significance.

Ambry Genetics
Classification: Uncertain significance. Last evaluated: 2025-04-10. Review status: criteria provided, single submitter. Criteria: Ambry Variant Classification Scheme 2023. Collection method: clinical testing. Allele origin: germline.

Labcorp Genetics (formerly Invitae), Labcorp
Classification: Uncertain significance for Hereditary spastic paraplegia 73. Last evaluated: 2022-09-09. Review status: criteria provided, single submitter. Criteria: Invitae Variant Classification Sherloc (09022015). Collection method: clinical testing. Allele origin: germline.
Comment: Algorithms developed to predict the effect of sequence changes on RNA splicing suggest that this variant may create or strengthen a splice site. Advanced modeling of protein sequence and biophysical properties (such as structural, functional, and spatial information, amino acid conservation, physicochemical variation, residue mobility, and thermodynamic stability) performed at Invitae indicates that this missense variant is not expected to disrupt CPT1C protein function. This variant has not been reported in the literature in individuals affected with CPT1C-related conditions. This variant is not present in population databases (gnomAD no frequency). This sequence change replaces leucine, which is neutral and non-polar, with phenylalanine, which is neutral and non-polar, at codon 316 of the CPT1C protein (p.Leu316Phe). In summary, the available evidence is currently insufficient to determine the role of this variant in disease. Therefore, it has been classified as a Variant of Uncertain Significance.

NM_001199753.2(CPT1C):c.979C>T (p.Leu327Phe)

Gene: CPT1C (carnitine palmitoyltransferase 1C; plus strand). Cytogenetic location: 19q13.33.
Variant type: single nucleotide variant.
Coding change: c.979C>T on transcript NM_001199753.2 (MANE Select); coding-DNA position 979, C replaced by T.
Protein change: p.Leu327Phe; replaces leucine 327 with phenylalanine.
Molecular consequence: missense variant. On other transcripts: non-coding transcript variant (1).
Genome position (GRCh38, 1-based): chr19:49,705,923, C>T. VCF-style: chr19-49705923-C-T. GRCh37 (hg19) VCF-style: chr19-50209180-C-T.
Other names: c.946C>T, p.Leu316Phe (NM_001136052.3, NM_001378485.1, NM_001378487.1); c.979C>T, p.Leu327Phe (NM_001199752.3, NM_001378483.1, NM_001378484.1 and 3 more transcripts); c.1045C>T, p.Leu349Phe (NM_001378482.1); c.979C>T (NM_001199752.1); short protein forms L327F, L316F, L349F.
Identifiers: ClinVar variation 2046830 (VCV002046830.6), dbSNP rs773593581, ClinGen allele CA309513039.